The following is an entry in ClinVar:

NM_004656.4(BAP1):c.659+3A>C

Gene: BAP1 (BRCA1 associated deubiquitinase 1; minus strand). Cytogenetic location: 3p21.1.
Variant type: single nucleotide variant.
Coding change: c.659+3A>C on transcript NM_004656.4 (MANE Select); 3 bases into the intron after coding-DNA position 659, A replaced by C.
Molecular consequence: intron variant.
Genome position (GRCh38, 1-based): chr3:52,406,826, T>G on the plus strand (A>C on the coding strand, the complement: BAP1 is on the minus strand). VCF-style: chr3-52406826-T-G. GRCh37 (hg19) VCF-style: chr3-52440842-T-G.
Identifiers: ClinVar variation 240065 (VCV000240065.14), dbSNP rs878854741, ClinGen allele CA10582202.

ClinVar aggregate classification (germline): Pathogenic/Likely pathogenic. Review status: criteria provided, multiple submitters, no conflicts (2 of 4 stars). 4 submissions from 4 submitters: Pathogenic (1); Likely pathogenic (3). Last evaluated 2026-07-14.

Conditions:
Hereditary cancer-predisposing syndrome. Also called: Tumor predisposition; Neoplastic Syndromes, Hereditary; Hereditary Cancer Syndrome; Hereditary neoplastic syndrome. Identifiers: Orphanet 140162, MedGen C0027672, MeSH D009386, MONDO:0015356.
BAP1-related tumor predisposition syndrome (TPDS1). Also called: Tumor susceptibility linked to germline BAP1 mutations; BAP1 tumor predisposition syndrome; COMMON Syndrome; TUMOR PREDISPOSITION SYNDROME 1. Identifiers: Orphanet 289539, MedGen C3280492, MONDO:0013692, OMIM 614327.

Submissions (4):

Ambry Genetics
Classification: Pathogenic for Hereditary cancer-predisposing syndrome. Last evaluated: 2026-07-14. Review status: criteria provided, single submitter. Criteria: Ambry Variant Classification Scheme 2023. Collection method: clinical testing. Allele origin: germline.
Comment: The c.659+3A>C intronic pathogenic mutation results from an A to C substitution 3 nucleotides after coding exon 8 in the BAP1 gene. This alteration has been observed in at least one individual with a personal and/or family history that is consistent with BAP1-related disease (Ambry internal data). This alteration has also been reported in a family with several individuals who had multiple BAP1-related tumors and in which the variant segregated with disease (Haugh AM et al. JAMA Dermatol, 2017 Oct;153:999-1006). This alteration was non-functional in a high throughput genome editing haploid cell survival functional assay (Waters AJ et al. Nat Genet, 2024 Jul;56:1434-1445). This nucleotide position is well conserved in available vertebrate species. In silico splice site analysis predicts that this alteration may weaken the native splice donor site. Research confirms that this alteration induces inclusion of intron 8 which is predicted to result in an abnormal protein or a transcript that is subject to nonsense-mediated mRNA decay (Haugh AM et al. JAMA Dermatol, 2017 Oct;153:999-1006). Based on the supporting evidence, this variant is interpreted as a disease-causing mutation.

Myriad Genetics, Inc.
Classification: Likely pathogenic for BAP1-related tumor predisposition syndrome. Last evaluated: 2025-02-21. Review status: criteria provided, single submitter. Criteria: Myriad Autosomal Dominant, Autosomal Recessive and X-Linked Classification Criteria (2023). Collection method: clinical testing. Allele origin: unknown.
Comment: This variant is considered likely pathogenic. Functional studies indicate this variant impacts protein function [PMID: 28793149, 38969833]. This variant has been reported in multiple individuals with clinical features of gene-specific disease [PMID: 28793149].

Labcorp Genetics (formerly Invitae), Labcorp
Classification: Likely pathogenic for BAP1-related tumor predisposition syndrome. Last evaluated: 2024-04-29. Review status: criteria provided, single submitter. Criteria: Invitae Variant Classification Sherloc (09022015). Collection method: clinical testing. Allele origin: germline.
Comment: This sequence change falls in intron 8 of the BAP1 gene. It does not directly change the encoded amino acid sequence of the BAP1 protein. RNA analysis indicates that this variant induces altered splicing and may result in an absent or disrupted protein product. This variant is not present in population databases (gnomAD no frequency). This variant has been observed in individuals with clinical features of BAP1-related conditions (PMID: 28793149; Invitae). ClinVar contains an entry for this variant (Variation ID: 240065). Variants that disrupt the consensus splice site are a relatively common cause of aberrant splicing (PMID: 17576681, 9536098). Studies have shown that this variant results in retention of intron 8 and introduces a premature termination codon (PMID: 28793149). The resulting mRNA is expected to undergo nonsense-mediated decay. In summary, the currently available evidence indicates that the variant is pathogenic, but additional data are needed to prove that conclusively. Therefore, this variant has been classified as Likely Pathogenic.

Baylor Genetics
Classification: Likely pathogenic for BAP1-related tumor predisposition syndrome. Last evaluated: 2022-02-13. Review status: criteria provided, single submitter. Criteria: ACMG Guidelines, 2015. Collection method: clinical testing. Allele origin: unknown.

Literature cited by the submitters: PubMed 28793149 (cited by 3 submitters); PubMed 38969833 (cited by Ambry Genetics and Myriad Genetics, Inc.); PubMed 17576681 (cited by Labcorp Genetics (formerly Invitae), Labcorp); PubMed 9536098 (cited by Labcorp Genetics (formerly Invitae), Labcorp).